The following is an entry in ClinVar:

NM_001349999.2(RBFOX2):c.1181C>T (p.Thr394Ile)

Gene: RBFOX2 (RNA binding fox-1 homolog 2; minus strand). Cytogenetic location: 22q12.3.
Variant type: single nucleotide variant.
Coding change: c.1181C>T on transcript NM_001349999.2 (MANE Select); coding-DNA position 1181, C replaced by T.
Protein change: p.Thr394Ile; replaces threonine 394 with isoleucine.
Molecular consequence: missense variant.
Genome position (GRCh38, 1-based): chr22:35,746,518, G>A on the plus strand (C>T on the coding strand, the complement: RBFOX2 is on the minus strand). VCF-style: chr22-35746518-G-A. GRCh37 (hg19) VCF-style: chr22-36142565-G-A.
Other names: c.913C>T, p.Pro305Ser (NM_001349995.2); c.1034C>T, p.Thr345Ile (NM_001349996.2, NM_001349990.2); c.983C>T, p.Thr328Ile (NM_001349997.2); c.1012C>T, p.Pro338Ser (NM_001349998.2); c.1175C>T, p.Thr392Ile (NM_001394108.1); c.1085C>T, p.Thr362Ile (NM_001394109.1, NM_001394110.1); c.1045C>T, p.Pro349Ser (NM_001394111.1); c.1178C>T, p.Thr393Ile (NM_001394112.1, NM_001394113.1); and 14 more; short protein forms P305S, P349S, P380S, T393I, T397I, P334S, P336S, P360S.
Identifiers: ClinVar variation 3729750 (VCV003729750.2).

ClinVar aggregate classification (germline): Uncertain significance (1 of 4 stars; one submission).

Submission:

Labcorp Genetics (formerly Invitae), Labcorp
Classification: Uncertain significance. Last evaluated: 2025-01-29. Review status: criteria provided, single submitter. Criteria: Invitae Variant Classification Sherloc (09022015). Collection method: clinical testing. Allele origin: germline.
Comment: This sequence change replaces threonine, which is neutral and polar, with isoleucine, which is neutral and non-polar, at codon 398 of the RBFOX2 protein (p.Thr398Ile). This variant is not present in population databases (gnomAD no frequency). This variant has not been reported in the literature in individuals affected with RBFOX2-related conditions. An algorithm developed to predict the effect of missense changes on protein structure and function (PolyPhen-2) suggests that this variant is likely to be disruptive. In summary, the available evidence is currently insufficient to determine the role of this variant in disease. Therefore, it has been classified as a Variant of Uncertain Significance.